The following is an entry in ClinVar:

ClinVar aggregate classification (germline): Likely benign. Review status: criteria provided, multiple submitters, no conflicts (2 of 4 stars). 3 submissions from 3 submitters: Likely benign (2). 1 of the submissions does not count toward it. Last evaluated 2026-01-28.

Conditions:
Bardet-Biedl syndrome (BBS). Identifiers: Orphanet 110, MedGen C0752166, MONDO:0015229.
BBS4-related disorder. Also called: BBS4-related condition.

Allele frequency attached by ClinVar (database versions not stated): ExAC 0.00002; gnomAD exomes 0.00002 and 0.00003; TOPMed 0.00003; gnomAD 0.00004.
gnomAD v4.1: 47 of 1,613,958 alleles (0.0029%); highest among the groups gnomAD compares: Admixed American, 0.0067%; no homozygotes.

Submissions (3):

Labcorp Genetics (formerly Invitae), Labcorp
Classification: Likely benign for Bardet-Biedl syndrome. Last evaluated: 2026-01-28. Review status: criteria provided, single submitter. Criteria: Invitae Variant Classification Sherloc (09022015). Collection method: clinical testing. Allele origin: germline.

Blueprint Genetics
Classification: Likely benign. Last evaluated: 2024-08-27. Review status: criteria provided, single submitter. Criteria: ACMG Guidelines, 2015. Collection method: clinical testing. Allele origin: germline.

PreventionGenetics, part of Exact Sciences
Classification: Likely benign for BBS4-related condition. Last evaluated: 2021-09-23. Review status: no assertion criteria provided. Collection method: clinical testing. Allele origin: germline. Not counted in ClinVar's aggregate classification.
Comment: This variant is classified as likely benign based on ACMG/AMP sequence variant interpretation guidelines (Richards et al. 2015 PMID: 25741868, with internal and published modifications).

NM_033028.5(BBS4):c.747C>T (p.His249=)

Gene: BBS4 (Bardet-Biedl syndrome 4; plus strand). Cytogenetic location: 15q24.1.
Variant type: single nucleotide variant.
Coding change: c.747C>T on transcript NM_033028.5 (MANE Select); coding-DNA position 747, C replaced by T.
Protein change: p.His249=; no amino-acid change (histidine 249 retained).
Molecular consequence: synonymous variant. On other transcripts: non-coding transcript variant (2).
Genome position (GRCh38, 1-based): chr15:72,731,340, C>T. VCF-style: chr15-72731340-C-T. GRCh37 (hg19) VCF-style: chr15-73023681-C-T.
Other names: c.231C>T, p.His77= (NM_001252678.2); c.678C>T, p.His226= (NM_001320665.2); c.747C>T (NM_033028.4).
Identifiers: ClinVar variation 1544033 (VCV001544033.11), dbSNP rs776079791, ClinGen allele CA7646758.